The following is an entry in ClinVar:

NM_000277.3(PAH):c.1171_1172del (p.Ser391fs)

Gene: PAH (phenylalanine hydroxylase; minus strand). Cytogenetic location: 12q23.2.
Variant type: Microsatellite.
Coding change: c.1171_1172del on transcript NM_000277.3 (MANE Select); coding-DNA positions 1171 to 1172, 2 bases deleted (AG; older notation c.1171_1172delAG).
Protein change: p.Ser391fs; shifts the reading frame from serine 391.
Molecular consequence: frameshift variant.
Genome position (GRCh38, 1-based): chr12:102,843,673-102,843,674, CT deleted on the plus strand (AG on the coding strand, the reverse complement: PAH is on the minus strand); deleting any 2 consecutive bases within chr12:102,843,673-102,843,678 gives the same sequence; the c. name uses the placement nearest the transcript's 3' end. VCF-style (leftmost placement, unchanged base first): chr12-102843672-ACT-A. GRCh37 (hg19) VCF-style: chr12-103237450-ACT-A.
Other names: c.1171_1172del, p.Ser391fs (NM_001354304.2); c.1171_1172del (NM_000277.1); short protein forms S391fs.
Identifiers: ClinVar variation 553594 (VCV000553594.4), dbSNP rs1429055740, ClinGen allele CA16020956.

ClinVar aggregate classification (germline): Pathogenic. Review status: reviewed by expert panel (3 of 4 stars). 2 submissions from 2 submitters: Pathogenic (1). 1 of the submissions does not count toward it. Last evaluated 2020-06-19.

Conditions:
Phenylketonuria (PKU). Also called: Phenylketonurias; Phenylketonuria (PKU); OLIGOPHRENIA PHENYLPYRUVICA; FOLLING DISEASE. Identifiers: Orphanet 716, MedGen C0031485, MONDO:0009861, OMIM 261600. Disease mechanism: loss of function.

Submissions (2):

ClinGen PAH Variant Curation Expert Panel
Classification: Pathogenic for Phenylketonuria. Last evaluated: 2020-06-19. Review status: reviewed by expert panel. Criteria: ClinGen PAH ACMG Specifications v1. Collection method: curation. Allele origin: germline. Inheritance: Autosomal recessive inheritance.
Comment: The c.1171_1172del (p.Ser391PhefsTer2) variant in PAH has been reported in an individual with Classic PKU (BH4 deficiency excluded). (PMID: 8268925, 11708866, 27121329) in trans with pathogenic variant p.Ser349Pro. It is a frameshift variant in exon 11 of 13 in PAH, predicted to undergo nonsense mediated decay with the truncated region critical to protein function. This variant has an extremely low allele frequency (MAF=0.000008799) in gnomAD. In summary, this variant meets criteria to be classified as pathogenic for PAH. PAH-specific ACMG/AMP criteria applied: PVS1, PM2, PM3, PP4_Moderate,

Counsyl
Classification: Likely pathogenic for Phenylketonuria. Last evaluated: 2017-08-30. Review status: no assertion criteria provided. Collection method: clinical testing. Allele origin: unknown. Not counted in ClinVar's aggregate classification.

Literature cited by the submitters: PubMed 11708866 (cited by ClinGen PAH Variant Curation Expert Panel); PubMed 27121329 (cited by ClinGen PAH Variant Curation Expert Panel and Counsyl); PubMed 8268925 (cited by ClinGen PAH Variant Curation Expert Panel and Counsyl).